The following is an entry in ClinVar:

NM_000059.4(BRCA2):c.2884C>G (p.His962Asp)

Gene: BRCA2 (BRCA2 DNA repair associated; plus strand). Cytogenetic location: 13q13.1.
Variant type: single nucleotide variant.
Coding change: c.2884C>G on transcript NM_000059.4 (MANE Select); coding-DNA position 2884, C replaced by G.
Protein change: p.His962Asp; replaces histidine 962 with aspartic acid.
Molecular consequence: missense variant.
Genome position (GRCh38, 1-based): chr13:32,337,239, C>G. VCF-style: chr13-32337239-C-G. GRCh37 (hg19) VCF-style: chr13-32911376-C-G.
Other names: c.2884C>G, p.His962Asp (NM_001406719.1, NM_001406720.1); short protein forms H962D.
Identifiers: ClinVar variation 1797209 (VCV001797209.5), dbSNP rs755777807, ClinGen allele CA387774088.

ClinVar aggregate classification (germline): Conflicting classifications of pathogenicity. Review status: criteria provided, conflicting classifications (1 of 4 stars). 3 submissions from 3 submitters: Uncertain significance (2); Likely benign (1). Last evaluated 2024-08-30.

Conditions:
Breast-ovarian cancer, familial, susceptibility to, 2 (BROVCA2). Also called: BRCA2 Hereditary Breast and Ovarian Cancer. Identifiers: Orphanet 145, MedGen C2675520, MONDO:0012933, OMIM 612555. Disease mechanism: loss of function.
Hereditary cancer-predisposing syndrome. Also called: Neoplastic Syndromes, Hereditary; Tumor predisposition; Hereditary neoplastic syndrome; Hereditary Cancer Syndrome. Identifiers: Orphanet 140162, MedGen C0027672, MeSH D009386, MONDO:0015356.

Submissions (3):

St. Jude Molecular Pathology, St. Jude Children's Research Hospital
Classification: Uncertain significance for Breast-ovarian cancer, familial, susceptibility to, 2. Last evaluated: 2024-08-30. Review status: criteria provided, single submitter. Criteria: St. Jude Assertion Criteria 2020. Collection method: clinical testing. Allele origin: germline.
Comment: The BRCA2 c.2884C>G (p.His962Asp) missense variant is absent in gnomAD v2.1.1. The in silico tool BayesDel predicts a benign effect on protein function, but to our knowledge this prediction has not been confirmed by functional studies. To our knowledge, this variant has not been reported in the literature in individuals with hereditary breast and ovarian cancer or Fanconi anemia. In summary, the evidence currently available is insufficient to determine the clinical significance of this variant. It has therefore been classified as of uncertain significance.

University of Washington Department of Laboratory Medicine, University of Washington
Classification: Likely benign for Hereditary cancer-predisposing syndrome. Last evaluated: 2023-03-23. Review status: criteria provided, single submitter. Criteria: Dines et al. (Genet Med. 2020). Collection method: curation. Allele origin: germline.
Comment: Missense variant in a coldspot region where missense variants are very unlikely to be pathogenic (PMID:31911673).

BRCA2 exon 11 coldspot. Reclassification based on statistical prior probability.

Ambry Genetics
Classification: Uncertain significance for Hereditary cancer-predisposing syndrome. Last evaluated: 2020-02-26. Review status: criteria provided, single submitter. Criteria: Ambry Variant Classification Scheme 2023. Collection method: clinical testing. Allele origin: germline.
Comment: The p.H962D variant (also known as c.2884C>G), located in coding exon 10 of the BRCA2 gene, results from a C to G substitution at nucleotide position 2884. The histidine at codon 962 is replaced by aspartic acid, an amino acid with similar properties. This amino acid position is not well conserved in available vertebrate species. In addition, this alteration is predicted to be tolerated by in silico analysis. Since supporting evidence is limited at this time, the clinical significance of this alteration remains unclear.